The following is an entry in ClinVar:

ClinVar aggregate classification (germline): Uncertain significance. Review status: criteria provided, multiple submitters, no conflicts (2 of 4 stars). 2 submissions from 2 submitters: Uncertain significance (2). Last evaluated 2022-05-08.

Conditions:
Hermansky-Pudlak syndrome 2 (HPS2). Also called: Platelet defects and oculocutaneous albinism. Identifiers: Orphanet 183678, Orphanet 79430, MedGen C1842362, MONDO:0011997, OMIM 608233.

Allele frequency attached by ClinVar (database versions not stated): gnomAD exomes below 0.00001; TOPMed 0.00001.
gnomAD v4.1: 2 of 1,611,748 alleles (0.00012%); highest among the groups gnomAD compares: Non-Finnish European, 0.000085%; no homozygotes.

Submissions (2):

Labcorp Genetics (formerly Invitae), Labcorp
Classification: Uncertain significance for Hermansky-Pudlak syndrome 2. Last evaluated: 2022-05-08. Review status: criteria provided, single submitter. Criteria: Invitae Variant Classification Sherloc (09022015). Collection method: clinical testing. Allele origin: germline.
Comment: This variant is present in population databases (no rsID available, gnomAD no frequency). In summary, the available evidence is currently insufficient to determine the role of this variant in disease. Therefore, it has been classified as a Variant of Uncertain Significance. Algorithms developed to predict the effect of missense changes on protein structure and function (SIFT, PolyPhen-2, Align-GVGD) all suggest that this variant is likely to be tolerated. ClinVar contains an entry for this variant (Variation ID: 904245). This variant has not been reported in the literature in individuals affected with AP3B1-related conditions. This sequence change replaces glutamine, which is neutral and polar, with lysine, which is basic and polar, at codon 109 of the AP3B1 protein (p.Gln109Lys).

Illumina Laboratory Services, Illumina
Classification: Uncertain significance for Hermansky-Pudlak syndrome 2. Last evaluated: 2018-01-13. Review status: criteria provided, single submitter. Criteria: ICSL Variant Classification Criteria 13 December 2019. Collection method: clinical testing. Allele origin: germline.

NM_003664.5(AP3B1):c.325C>A (p.Gln109Lys)

Gene: AP3B1 (adaptor related protein complex 3 subunit beta 1; minus strand). Cytogenetic location: 5q14.1.
Variant type: single nucleotide variant.
Coding change: c.325C>A on transcript NM_003664.5 (MANE Select); coding-DNA position 325, C replaced by A.
Protein change: p.Gln109Lys; replaces glutamine 109 with lysine.
Molecular consequence: missense variant.
Genome position (GRCh38, 1-based): chr5:78,228,194, G>T on the plus strand (C>A on the coding strand, the complement: AP3B1 is on the minus strand). VCF-style: chr5-78228194-G-T. GRCh37 (hg19) VCF-style: chr5-77524018-G-T.
Other names: c.178C>A, p.Gln60Lys (NM_001271769.2); short protein forms Q60K, Q109K.
Identifiers: ClinVar variation 904245 (VCV000904245.7), dbSNP rs1397315776, ClinGen allele CA360191767.